The following is an entry in ClinVar:

ClinVar aggregate classification (germline): Likely benign. Review status: criteria provided, multiple submitters, no conflicts (2 of 4 stars). 3 submissions from 3 submitters: Likely benign (3). Last evaluated 2025-11-03.

Conditions:
Hereditary cancer-predisposing syndrome. Also called: Tumor predisposition; Hereditary Cancer Syndrome; Neoplastic Syndromes, Hereditary; Hereditary neoplastic syndrome. Identifiers: Orphanet 140162, MedGen C0027672, MeSH D009386, MONDO:0015356.

gnomAD v4.1: 20 of 1,614,010 alleles (0.0012%); highest among the groups gnomAD compares: East Asian, 0.038%; no homozygotes.

Submissions (3):

Labcorp Genetics (formerly Invitae), Labcorp
Classification: Likely benign. Last evaluated: 2025-11-03. Review status: criteria provided, single submitter. Criteria: Invitae Variant Classification Sherloc (09022015). Collection method: clinical testing. Allele origin: germline.

CeGaT Center for Human Genetics Tuebingen
Classification: Likely benign. Last evaluated: 2025-08-01. Review status: criteria provided, single submitter. Criteria: CeGaT Center For Human Genetics Tuebingen Variant Classification Criteria Version 2. Collection method: clinical testing. Allele origin: germline. Affected: yes. Observed: 2 variant alleles.
Comment: SMARCB1: BP4, BP7

Ambry Genetics
Classification: Likely benign for Hereditary cancer-predisposing syndrome. Last evaluated: 2019-04-25. Review status: criteria provided, single submitter. Criteria: Ambry Variant Classification Scheme 2023. Collection method: clinical testing. Allele origin: germline.

NM_003073.5(SMARCB1):c.897G>T (p.Ser299=)

Gene: SMARCB1 (SWI/SNF related BAF chromatin remodeling complex subunit B1; plus strand). Cytogenetic location: 22q11.23.
Variant type: single nucleotide variant.
Coding change: c.897G>T on transcript NM_003073.5 (MANE Select); coding-DNA position 897, G replaced by T.
Protein change: p.Ser299=; no amino-acid change (serine 299 retained).
Molecular consequence: synonymous variant.
Genome position (GRCh38, 1-based): chr22:23,825,326, G>T. VCF-style: chr22-23825326-G-T. GRCh37 (hg19) VCF-style: chr22-24167513-G-T.
Other names: c.897G>T (LRG_520t1); c.870G>T, p.Ser290= (NM_001007468.3); c.924G>T, p.Ser308= (NM_001317946.2); c.951G>T, p.Ser317= (NM_001362877.2).
Identifiers: ClinVar variation 239485 (VCV000239485.39), dbSNP rs2229354, ClinGen allele CA10146071.
Genomic context (GRCh38, chr22:23,825,326, plus strand): 5'-TGAGTGGGACATGTCAGAGAAGGAGAACTCACCAGAGAAGTTTGCCCTGAAGCTGTGCTC[G>T]GAGCTGGGGTTGGGCGGGGAGTTTGTCACCACCATCGCATACAGCATCCGGGGACAGCTG-3'
Protein context (NP_003064.2, residues 289-309): SPEKFALKLC[Ser299=]ELGLGGEFVT